The following is an entry in ClinVar:

ClinVar aggregate classification (germline): Likely pathogenic (1 of 4 stars; one submission).

Conditions:
Argininosuccinate lyase deficiency. Also called: ARGININOSUCCINIC ACID LYASE DEFICIENCY; ASL DEFICIENCY; Argininosuccinic aciduria. Identifiers: Orphanet 23, MedGen C0268547, MONDO:0008815, OMIM 207900, HP:0025630.

Submission:

Myriad Genetics, Inc.
Classification: Likely pathogenic for Argininosuccinate lyase deficiency. Last evaluated: 2022-03-30. Review status: criteria provided, single submitter. Criteria: Myriad Women's Health Autosomal Recessive and X-Linked Classification Criteria (2021). Collection method: clinical testing. Allele origin: unknown.
Comment: NM_001024943.1(ASL):c.698_699delCTinsA(T233Kfs*18) is expected to be pathogenic in the context of argininosuccinic aciduria. This variant is predicted to lead to an abnormal or absent protein product due to the creation of a premature termination codon in ASL, a gene where loss-of-function variants are known to be pathogenic. Please note: this variant was assessed in the context of healthy population screening.

NM_000048.4(ASL):c.698_699delinsA (p.Thr233fs)

Gene: ASL (argininosuccinate lyase; plus strand). Cytogenetic location: 7q11.21.
Variant type: Indel.
Coding change: c.698_699delinsA on transcript NM_000048.4 (MANE Select); coding-DNA positions 698 to 699, CT replaced by A.
Protein change: p.Thr233fs; shifts the reading frame from threonine 233.
Molecular consequence: frameshift variant.
Genome position (GRCh38, 1-based): chr7:66,087,771-66,087,772, CT replaced by A. VCF-style: chr7-66087771-CT-A. GRCh37 (hg19) VCF-style: chr7-65552758-CT-A.
Other names: c.698_699delinsA, p.Thr233fs (NM_001024943.2, NM_001024944.2); c.620_621delinsA, p.Thr207fs (NM_001024946.2); short protein forms T207fs, T233fs.
Identifiers: ClinVar variation 1725569 (VCV001725569.2), dbSNP rs2485013731, ClinGen allele CA2580077289.